The following is an entry in ClinVar:

ClinVar aggregate classification (germline): Uncertain significance (1 of 4 stars; one submission).

Conditions:
Fanconi anemia (FA). Also called: Fanconi's anemia. Identifiers: Orphanet 84, MedGen C0015625, MeSH D005199, MONDO:0019391.

Allele frequency attached by ClinVar (database versions not stated): gnomAD exomes below 0.00001; TOPMed below 0.00001; ExAC 0.00001; gnomAD 0.00001.

Submission:

Labcorp Genetics (formerly Invitae), Labcorp
Classification: Uncertain significance for Fanconi anemia. Last evaluated: 2021-11-19. Review status: criteria provided, single submitter. Criteria: Invitae Variant Classification Sherloc (09022015). Collection method: clinical testing. Allele origin: germline.
Comment: This sequence change replaces serine, which is neutral and polar, with asparagine, which is neutral and polar, at codon 596 of the FANCI protein (p.Ser596Asn). This variant is present in population databases (rs754190768, gnomAD 0.007%). This variant has not been reported in the literature in individuals affected with FANCI-related conditions. Algorithms developed to predict the effect of missense changes on protein structure and function (SIFT, PolyPhen-2, Align-GVGD) all suggest that this variant is likely to be tolerated. In summary, the available evidence is currently insufficient to determine the role of this variant in disease. Therefore, it has been classified as a Variant of Uncertain Significance.

NM_001113378.2(FANCI):c.1787G>A (p.Ser596Asn)

Gene: FANCI (FA complementation group I; plus strand). Cytogenetic location: 15q26.1.
Variant type: single nucleotide variant.
Coding change: c.1787G>A on transcript NM_001113378.2 (MANE Select); coding-DNA position 1787, G replaced by A.
Protein change: p.Ser596Asn; replaces serine 596 with asparagine.
Molecular consequence: missense variant.
Genome position (GRCh38, 1-based): chr15:89,285,184, G>A. VCF-style: chr15-89285184-G-A. GRCh37 (hg19) VCF-style: chr15-89828415-G-A.
Other names: c.1508G>A, p.Ser503Asn (NM_001376910.1); c.1787G>A, p.Ser596Asn (NM_001376911.1, NM_018193.3); short protein forms S596N, S503N.
Identifiers: ClinVar variation 1414558 (VCV001414558.3), dbSNP rs754190768, ClinGen allele CA7723154.